The following is an entry in ClinVar:

NM_024408.4(NOTCH2):c.1145A>G (p.Asn382Ser)

Gene: NOTCH2 (notch receptor 2; minus strand). Cytogenetic location: 1p12.
Variant type: single nucleotide variant.
Coding change: c.1145A>G on transcript NM_024408.4 (MANE Select); coding-DNA position 1145, A replaced by G.
Protein change: p.Asn382Ser; replaces asparagine 382 with serine.
Molecular consequence: missense variant.
Genome position (GRCh38, 1-based): chr1:119,968,196, T>C on the plus strand (A>G on the coding strand, the complement: NOTCH2 is on the minus strand). VCF-style: chr1-119968196-T-C. GRCh37 (hg19) VCF-style: chr1-120510819-T-C.
Other names: c.1145A>G, p.Asn382Ser (NM_001200001.2); short protein forms N382S.
Identifiers: ClinVar variation 2724036 (VCV002724036.4), dbSNP rs782540275, ClinGen allele CA1040600.

ClinVar aggregate classification (germline): Uncertain significance. Review status: criteria provided, multiple submitters, no conflicts (2 of 4 stars). 2 submissions from 2 submitters: Uncertain significance (2). Last evaluated 2025-06-08.

Conditions:
Hajdu-Cheney syndrome (HJCYS). Also called: ACROOSTEOLYSIS WITH OSTEOPOROSIS AND CHANGES IN SKULL AND MANDIBLE; Acroosteolysis dominant type; SERPENTINE FIBULA-POLYCYSTIC KIDNEY SYNDROME. Identifiers: Orphanet 955, MedGen C0917715, MONDO:0007057, OMIM 102500.

Allele frequency attached by ClinVar (database versions not stated): ExAC 0.00001; TOPMed 0.00001.
gnomAD v4.1: 32 of 1,613,998 alleles (0.002%); highest among the groups gnomAD compares: East Asian, 0.0045%; no homozygotes.

Submissions (2):

Labcorp Genetics (formerly Invitae), Labcorp
Classification: Uncertain significance for Hajdu-Cheney syndrome. Last evaluated: 2025-06-08. Review status: criteria provided, single submitter. Criteria: Invitae Variant Classification Sherloc (09022015). Collection method: clinical testing. Allele origin: germline.
Comment: This sequence change replaces asparagine, which is neutral and polar, with serine, which is neutral and polar, at codon 382 of the NOTCH2 protein (p.Asn382Ser). This variant is present in population databases (rs782540275, gnomAD 0.006%). This variant has not been reported in the literature in individuals affected with NOTCH2-related conditions. ClinVar contains an entry for this variant (Variation ID: 2724036). Invitae Evidence Modeling of protein sequence and biophysical properties (such as structural, functional, and spatial information, amino acid conservation, physicochemical variation, residue mobility, and thermodynamic stability) indicates that this missense variant is not expected to disrupt NOTCH2 protein function with a negative predictive value of 95%. In summary, the available evidence is currently insufficient to determine the role of this variant in disease. Therefore, it has been classified as a Variant of Uncertain Significance.

Blueprint Genetics
Classification: Uncertain significance. Last evaluated: 2023-08-31. Review status: criteria provided, single submitter. Criteria: ACMG Guidelines, 2015. Collection method: clinical testing. Allele origin: germline.